The following is an entry in ClinVar:

NM_004333.6(BRAF):c.241-8T>A

Gene: BRAF (B-Raf proto-oncogene, serine/threonine kinase; minus strand). Cytogenetic location: 7q34.
Variant type: single nucleotide variant.
Coding change: c.241-8T>A on transcript NM_004333.6 (MANE Select); 8 bases into the intron before coding-DNA position 241, T replaced by A.
Molecular consequence: intron variant.
Genome position (GRCh38, 1-based): chr7:140,834,880, A>T on the plus strand (T>A on the coding strand, the complement: BRAF is on the minus strand). VCF-style: chr7-140834880-A-T. GRCh37 (hg19) VCF-style: chr7-140534680-A-T.
Other names: c.241-8T>A (NM_001378474.1, NM_001378471.1, NM_001378468.1 and 5 more transcripts); c.139-8T>A (NM_001378470.1); c.240+15231T>A (NM_001378475.1); c.85-8T>A (NM_001378472.1, NM_001378473.1).
Identifiers: ClinVar variation 380312 (VCV000380312.1), dbSNP rs963659807, ClinGen allele CA16605236.

ClinVar aggregate classification (germline): Likely benign (1 of 4 stars; one submission).

Submission:

GeneDx
Classification: Likely benign. Last evaluated: 2015-07-20. Review status: criteria provided, single submitter. Criteria: GeneDx Variant Classification (06012015). Collection method: clinical testing. Allele origin: germline. Affected: yes.
Comment: This variant is considered likely benign or benign based on one or more of the following criteria: it is a conservative change, it occurs at a poorly conserved position in the protein, it is predicted to be benign by multiple in silico algorithms, and/or has population frequency not consistent with disease.